The following is an entry in ClinVar:

NM_015158.5(KANK1):c.3554-4A>C

Gene: KANK1 (KN motif and ankyrin repeat domains 1; plus strand). Cytogenetic location: 9p24.3.
Variant type: single nucleotide variant.
Coding change: c.3554-4A>C on transcript NM_015158.5 (MANE Select); 4 bases into the intron before coding-DNA position 3554, A replaced by C.
Molecular consequence: intron variant.
Genome position (GRCh38, 1-based): chr9:740,788, A>C. VCF-style: chr9-740788-A-C. GRCh37 (hg19) VCF-style: chr9-740788-A-C.
Other names: c.3554-4A>C (NM_001256876.3, NM_001438412.1, NM_001354334.2 and 1 more transcripts); c.3080-4A>C (NM_001354333.2, NM_001354335.2, NM_001354337.2 and 2 more transcripts); c.3314-4A>C (NM_001354331.2); c.3500-4A>C (NM_001354332.2); c.2786-4A>C (NM_001354336.2, NM_001438411.1); c.2840-4A>C (NM_001354339.2, NM_001354343.2, NM_001354342.2); c.3026-4A>C (NM_001354338.2, NM_001354340.2, NM_001354344.2).
Identifiers: ClinVar variation 4983738 (VCV004983738.1).

ClinVar aggregate classification (germline): Likely benign (1 of 4 stars; one submission).

Conditions:
KANK1-related disorder. Also called: KANK1-related condition.

Submission:

PreventionGenetics, part of Exact Sciences
Classification: Likely benign for KANK1-related condition. Last evaluated: 2025-02-17. Review status: criteria provided, single submitter. Criteria: ACMG Guidelines, 2015. Collection method: clinical testing. Allele origin: germline.
Comment: This variant is classified as likely benign based on ACMG/AMP sequence variant interpretation guidelines (Richards et al. 2015 PMID: 25741868, with internal and published modifications).